The following is an entry in ClinVar:

NM_005918.4(MDH2):c.59C>T (p.Ser20Leu)

Gene: MDH2 (malate dehydrogenase 2; plus strand). Cytogenetic location: 7q11.23.
Variant type: single nucleotide variant.
Coding change: c.59C>T on transcript NM_005918.4 (MANE Select); coding-DNA position 59, C replaced by T.
Protein change: p.Ser20Leu; replaces serine 20 with leucine.
Molecular consequence: missense variant. On other transcripts: 5 prime UTR variant (1), non-coding transcript variant (1).
Genome position (GRCh38, 1-based): chr7:76,048,219, C>T. VCF-style: chr7-76048219-C-T. GRCh37 (hg19) VCF-style: chr7-75677537-C-T.
Other names: c.59C>T, p.Ser20Leu (NM_001282403.2); c.-94C>T (NM_001282404.2); short protein forms S20L.
Identifiers: ClinVar variation 3394054 (VCV003394054.1).
Genomic context (GRCh38, chr7:76,048,219, plus strand): 5'-CCATGCTCTCCGCCCTCGCCCGGCCTGCCAGCGCTGCTCTCCGCCGCAGCTTCAGCACCT[C>T]GGCCCAGGTAGGCCAGACGAGGGGCGGCCTGCAGGCGGAGGCCCCCCGGCCCGGGCCACG-3'
Protein context (NP_005909.2, residues 10-30): SAALRRSFST[Ser20Leu]AQNNAKVAVL

ClinVar aggregate classification (germline): Uncertain significance (1 of 4 stars; one submission).

Conditions:
Inborn genetic diseases. Identifiers: MedGen C0950123, MeSH D030342.

Submission:

Ambry Genetics
Classification: Uncertain significance for Inborn genetic diseases. Last evaluated: 2024-10-01. Review status: criteria provided, single submitter. Criteria: Ambry Variant Classification Scheme 2023. Collection method: clinical testing. Allele origin: germline.
Comment: The p.S20L variant (also known as c.59C>T), located in coding exon 1 of the MDH2 gene, results from a C to T substitution at nucleotide position 59. The serine at codon 20 is replaced by leucine, an amino acid with dissimilar properties. This amino acid position is conserved. In addition, this alteration is predicted to be tolerated by in silico analysis. Based on the available evidence, the clinical significance of this variant remains unclear.